The following is an entry in ClinVar:

NM_138927.4(SON):c.1826C>T (p.Ser609Leu)

Gene: SON (SON DNA and RNA binding protein; plus strand). Cytogenetic location: 21q22.11.
Variant type: single nucleotide variant.
Coding change: c.1826C>T on transcript NM_138927.4 (MANE Select); coding-DNA position 1826, C replaced by T.
Protein change: p.Ser609Leu; replaces serine 609 with leucine.
Molecular consequence: missense variant. On other transcripts: non-coding transcript variant (1), intron variant (1).
Genome position (GRCh38, 1-based): chr21:33,551,057, C>T. VCF-style: chr21-33551057-C-T. GRCh37 (hg19) VCF-style: chr21-34923363-C-T.
Other names: c.1826C>T, p.Ser609Leu (NM_001291411.2, NM_001412133.1, NM_032195.3 and 2 more transcripts); c.244+4678C>T (NM_001291412.3); short protein forms S609L.
Identifiers: ClinVar variation 2631634 (VCV002631634.5), dbSNP rs764822871, ClinGen allele CA10008978.
Genomic context (GRCh38, chr21:33,551,057, plus strand): 5'-TGGCAACTGGGGCACTAGAGTTGCCTGGGCCGCTCATGGCAGCTGGGGCACTGGAGTTCT[C>T]GGGGCAGTCTGGGGCAGCTGGAGCACTGGAGCTTTTGGGGCAGCCTCTGGCAACAGGGGT-3'
Protein context (NP_620305.3, residues 599-619): PLMAAGALEF[Ser609Leu]GQSGAAGALE

ClinVar aggregate classification (germline): Uncertain significance. Review status: criteria provided, multiple submitters, no conflicts (2 of 4 stars). 2 submissions from 2 submitters: Uncertain significance (2). Last evaluated 2025-09-02.

Conditions:
SON-related disorder. Also called: SON-related condition.

Allele frequency attached by ClinVar (database versions not stated): ExAC 0.00001; gnomAD exomes 0.00001.
gnomAD v4.1: 10 of 1,612,354 alleles (0.00062%); highest among the groups gnomAD compares: South Asian, 0.0011%; no homozygotes.

Submissions (2):

Labcorp Genetics (formerly Invitae), Labcorp
Classification: Uncertain significance. Last evaluated: 2025-09-02. Review status: criteria provided, single submitter. Criteria: Invitae Variant Classification Sherloc (09022015). Collection method: clinical testing. Allele origin: germline.
Comment: This sequence change replaces serine, which is neutral and polar, with leucine, which is neutral and non-polar, at codon 609 of the SON protein (p.Ser609Leu). The frequency data for this variant in the population databases is considered unreliable, as metrics indicate poor data quality at this position in the gnomAD database. This variant has not been reported in the literature in individuals affected with SON-related conditions. ClinVar contains an entry for this variant (Variation ID: 2631634). An algorithm developed to predict the effect of missense changes on protein structure and function (PolyPhen-2) suggests that this variant is likely to be disruptive. In summary, the available evidence is currently insufficient to determine the role of this variant in disease. Therefore, it has been classified as a Variant of Uncertain Significance.

PreventionGenetics, part of Exact Sciences
Classification: Uncertain significance for SON-related condition. Last evaluated: 2025-07-16. Review status: criteria provided, single submitter. Criteria: ACMG Guidelines, 2015. Collection method: clinical testing. Allele origin: germline.
Comment: The SON c.1826C>T variant is predicted to result in the amino acid substitution p.Ser609Leu. To our knowledge, this variant has not been reported in the literature. This variant is reported in 0.0033% of alleles in individuals of South Asian descent in gnomAD. At this time, the clinical significance of this variant is uncertain due to the absence of conclusive functional and genetic evidence.